The following is an entry in ClinVar:

ClinVar aggregate classification (germline): Conflicting classifications of pathogenicity. Review status: criteria provided, conflicting classifications (1 of 4 stars). 3 submissions from 2 submitters: Uncertain significance (2); Likely benign (1). Last evaluated 2025-11-05.

Conditions:
Transitory neonatal diabetes mellitus. Also called: Transient neonatal diabetes mellitus. Identifiers: MedGen C0342273, MONDO:0020525, HP:0008255.
Maturity-onset diabetes of the young (MODY). Also called: Maturity onset diabetes mellitus in young. Identifiers: Orphanet 552, MedGen C0342276, MONDO:0018911, HP:0004904.

Allele frequency attached by ClinVar (database versions not stated): gnomAD exomes below 0.00001; ExAC 0.00001; TOPMed 0.00001.

Submissions (3):

Labcorp Genetics (formerly Invitae), Labcorp
Classification: Likely benign. Last evaluated: 2025-11-05. Review status: criteria provided, single submitter. Criteria: Invitae Variant Classification Sherloc (09022015). Collection method: clinical testing. Allele origin: germline.

Clinical Genomics, Uppaluri K&H Personalized Medicine Clinic
Classification: Uncertain significance for Transitory neonatal diabetes mellitus. Review status: criteria provided, single submitter. Criteria: K & H Uppaluri Personalized Medicine Clinic Variant Classification & Assertion Criteria_Updated V.1. Collection method: research. Allele origin: unknown.
Comment: Mutations in ABCC8 gene are associated with both neonatal diabetes mellitus as well as MODY. Patients with this mutation may have a better response to sulfonylureas. However, no sufficient evidence is found to ascertain the role of this particular variant ( rs771014822) in neonatal diabetes yet.

Clinical Genomics, Uppaluri K&H Personalized Medicine Clinic
Classification: Uncertain significance for Maturity-onset diabetes of the young. Review status: criteria provided, single submitter. Criteria: K & H Uppaluri Personalized Medicine Clinic Variant Classification & Assertion Criteria_Updated V.1. Collection method: research. Allele origin: unknown.
Comment: Mutations in ABCC8 gene are associated with both neonatal diabetes mellitus as well as MODY. Patients with this mutation may have a better response to sulfonylureas. However, no sufficient evidence is found to ascertain the role of this particular variant ( rs771014822) in MODY yet.

Literature cited by the submitters: PubMed 16885549 (cited by Clinical Genomics, Uppaluri K&H Personalized Medicine Clinic); PubMed 21989597 (cited by Clinical Genomics, Uppaluri K&H Personalized Medicine Clinic); PubMed 27538677 (cited by Clinical Genomics, Uppaluri K&H Personalized Medicine Clinic); PubMed 18981553 (cited by Clinical Genomics, Uppaluri K&H Personalized Medicine Clinic); PubMed 32027066 (cited by Clinical Genomics, Uppaluri K&H Personalized Medicine Clinic); PubMed 16613899 (cited by Clinical Genomics, Uppaluri K&H Personalized Medicine Clinic); PubMed 18025408 (cited by Clinical Genomics, Uppaluri K&H Personalized Medicine Clinic); PubMed 32792356 (cited by Clinical Genomics, Uppaluri K&H Personalized Medicine Clinic).

NM_000352.6(ABCC8):c.954G>C (p.Leu318=)

Gene: ABCC8 (ATP binding cassette subfamily C member 8; minus strand). Cytogenetic location: 11p15.1.
Variant type: single nucleotide variant.
Coding change: c.954G>C on transcript NM_000352.6 (MANE Select); coding-DNA position 954, G replaced by C.
Protein change: p.Leu318=; no amino-acid change (leucine 318 retained).
Molecular consequence: synonymous variant. On other transcripts: non-coding transcript variant (1).
Genome position (GRCh38, 1-based): chr11:17,460,545, C>G on the plus strand (G>C on the coding strand, the complement: ABCC8 is on the minus strand). VCF-style: chr11-17460545-C-G. GRCh37 (hg19) VCF-style: chr11-17482092-C-G.
Other names: c.954G>C, p.Leu318= (NM_001287174.3, NM_001351295.2); c.951G>C, p.Leu317= (NM_001351296.2, NM_001351297.2).
Identifiers: ClinVar variation 1605682 (VCV001605682.9), dbSNP rs771014822, ClinGen allele CA5903718.